The following is an entry in ClinVar:

ClinVar aggregate classification (germline): Uncertain significance (1 of 4 stars; one submission).

Conditions:
Schuurs-Hoeijmakers syndrome. Also called: PACS1-Related Neurodevelopmental Disorder. Identifiers: Orphanet 329224, MedGen C3554343, MONDO:0014006, OMIM 615009.

gnomAD v4.1: 2 of 1,614,082 alleles (0.00012%); no homozygotes.

Submission:

Labcorp Genetics (formerly Invitae), Labcorp
Classification: Uncertain significance for Schuurs-Hoeijmakers syndrome. Last evaluated: 2024-08-06. Review status: criteria provided, single submitter. Criteria: Invitae Variant Classification Sherloc (09022015). Collection method: clinical testing. Allele origin: germline.
Comment: This sequence change replaces histidine, which is basic and polar, with asparagine, which is neutral and polar, at codon 260 of the PACS1 protein (p.His260Asn). This variant is not present in population databases (gnomAD no frequency). This variant has not been reported in the literature in individuals affected with PACS1-related conditions. ClinVar contains an entry for this variant (Variation ID: 2051240). Advanced modeling of protein sequence and biophysical properties (such as structural, functional, and spatial information, amino acid conservation, physicochemical variation, residue mobility, and thermodynamic stability) performed at Invitae indicates that this missense variant is not expected to disrupt PACS1 protein function with a negative predictive value of 80%. In summary, the available evidence is currently insufficient to determine the role of this variant in disease. Therefore, it has been classified as a Variant of Uncertain Significance.

NM_018026.4(PACS1):c.778C>A (p.His260Asn)

Gene: PACS1 (phosphofurin acidic cluster sorting protein 1; plus strand). Cytogenetic location: 11q13.2.
Variant type: single nucleotide variant.
Coding change: c.778C>A on transcript NM_018026.4 (MANE Select); coding-DNA position 778, C replaced by A.
Protein change: p.His260Asn; replaces histidine 260 with asparagine.
Molecular consequence: missense variant.
Genome position (GRCh38, 1-based): chr11:66,216,236, C>A. VCF-style: chr11-66216236-C-A. GRCh37 (hg19) VCF-style: chr11-65983707-C-A.
Other names: short protein forms H260N.
Identifiers: ClinVar variation 2051240 (VCV002051240.4), dbSNP rs2495549842, ClinGen allele CA381348492.